The following is an entry in ClinVar:

ClinVar aggregate classification (germline): Pathogenic (1 of 4 stars; one submission).

Conditions:
Tuberous sclerosis 2 (TSC2). Identifiers: Orphanet 805, MedGen C1860707, MONDO:0013199, OMIM 613254.

Submission:

Victorian Clinical Genetics Services, Murdoch Childrens Research Institute
Classification: Pathogenic for Tuberous sclerosis 2. Last evaluated: 2022-03-31. Review status: criteria provided, single submitter. Criteria: ACMG Guidelines, 2015. Collection method: clinical testing. Allele origin: germline. Inheritance: Autosomal dominant inheritance.
Comment: Based on the classification scheme VCGS_Germline_v1.3.4, this variant is classified as Pathogenic. Following criteria are met: 0102 - Loss of function is a known mechanism of disease in this gene and is associated with tuberous sclerosis-2 (MIM#613254). (I) 0107 - This gene is associated with autosomal dominant disease. (I) 0115 - Variants in this gene are known to have variable expressivity (PMID: 31018109). (I) 0210 - Splice site variant proven to affect splicing of the transcript with a known effect on protein sequence. Sequencing of patient cDNA has proven this variant causes exon skipping (r.[3285-3397]), where the resulting protein (p.Ser1095Argfs*35) is predicted to undergo nonsense-mediated decay (NMD) (PathWest). (SP) 0251 - This variant is heterozygous. (I) 0301 - Variant is absent from gnomAD (both v2 and v3). (SP) 0701 - Other NMD-predicted variants comparable to the one identified in this case have very strong previous evidence for pathogenicity. These variants have been reported many times as pathogenic (DECIPHER). (SP) 0807 - This variant has no previous evidence of pathogenicity. (I) 0905 - No published segregation evidence has been identified for this variant. (I) 1007 - No published functional evidence has been identified for this variant. (I) 1208 - Inheritance information for this variant is not currently available in this individual. (I) Legend: (SP) - Supporting pathogenic, (I) - Information, (SB) - Supporting benign

Literature cited by the submitters: PubMed 31018109.

NM_000548.5(TSC2):c.3397+4A>G

Gene: TSC2 (TSC complex subunit 2; plus strand). Cytogenetic location: 16p13.3.
Variant type: single nucleotide variant.
Coding change: c.3397+4A>G on transcript NM_000548.5 (MANE Select); 4 bases into the intron after coding-DNA position 3397, A replaced by G.
Molecular consequence: intron variant.
Genome position (GRCh38, 1-based): chr16:2,079,673, A>G. VCF-style: chr16-2079673-A-G. GRCh37 (hg19) VCF-style: chr16-2129674-A-G.
Other names: c.3397+4A>G (NM_001114382.3); c.3268+4A>G (NM_021055.3, NM_001370405.1, NM_001363528.2); c.3265+4A>G (NM_001370404.1, NM_001077183.3); c.3157+4A>G (NM_001318827.2); c.2665+4A>G (NM_001318831.2); c.3121+4A>G (NM_001318829.2); c.3298+4A>G (NM_001318832.2).
Identifiers: ClinVar variation 1805434 (VCV001805434.1), dbSNP rs2544072093, ClinGen allele CA2573102942.
Genomic context (GRCh38, chr16:2,079,673, plus strand): 5'-CCCAGGCTGGGCAGCAGGTGTCCCGTGGGGCCCGGGATCGGGTCCGTTCCATGTCGGGTG[A>G]GCCTTGGCCCCAGCCACCTCCACACAGGCACCGGGGCTCCCTCAGTTGCTGCTGGTCCCA-3'